The following is an entry in ClinVar:

ClinVar aggregate classification (germline): Pathogenic. Review status: criteria provided, multiple submitters, no conflicts (2 of 4 stars). 2 submissions from 2 submitters: Pathogenic (2). Last evaluated 2026-06-09.

Conditions:
Familial adenomatous polyposis 4 (FAP4). Also called: MSH3-related attenuated familial adenomatous polyposis. Identifiers: Orphanet 480536, MedGen C4310719, MONDO:0044300, OMIM 617100.

Submissions (2):

Myriad Genetics, Inc.
Classification: Pathogenic for Familial adenomatous polyposis 4. Last evaluated: 2026-06-09. Review status: criteria provided, single submitter. Criteria: Myriad Autosomal Dominant, Autosomal Recessive and X-Linked Classification Criteria (2023). Collection method: clinical testing. Allele origin: unknown.
Comment: This variant is considered pathogenic. This variant creates a frameshift predicted to result in premature protein truncation.

Labcorp Genetics (formerly Invitae), Labcorp
Classification: Pathogenic. Last evaluated: 2022-03-11. Review status: criteria provided, single submitter. Criteria: Invitae Variant Classification Sherloc (09022015). Collection method: clinical testing. Allele origin: germline.
Comment: This variant has not been reported in the literature in individuals affected with MSH3-related conditions. This sequence change creates a premature translational stop signal (p.Asn613Lysfs*5) in the MSH3 gene. It is expected to result in an absent or disrupted protein product. Loss-of-function variants in MSH3 are known to be pathogenic (PMID: 27476653). This variant is not present in population databases (gnomAD no frequency). For these reasons, this variant has been classified as Pathogenic.

Literature cited by the submitters: PubMed 27476653 (cited by Labcorp Genetics (formerly Invitae), Labcorp).

NM_002439.5(MSH3):c.1838dup (p.Asn613fs)

Gene: MSH3 (mutS homolog 3; plus strand). Cytogenetic location: 5q14.1.
Variant type: Duplication.
Coding change: c.1838dup on transcript NM_002439.5 (MANE Select); coding-DNA position 1838, one base duplicated (A; older notation c.1838dupA).
Protein change: p.Asn613fs; shifts the reading frame from asparagine 613.
Molecular consequence: frameshift variant.
Genome position (GRCh38, 1-based): chr5:80,761,620, A duplicated; the last of 4 consecutive A bases (chr5:80,761,617-80,761,620); duplicating any one gives the same sequence. VCF-style (leftmost placement, unchanged base first): chr5-80761616-G-GA. GRCh37 (hg19) VCF-style: chr5-80057435-G-GA.
Other names: short protein forms N613fs.
Identifiers: ClinVar variation 1982900 (VCV001982900.5), dbSNP rs2546770047, ClinGen allele CA2580073536.